The following is an entry in ClinVar:

NM_199420.4(POLQ):c.7622A>G (p.Glu2541Gly)

Gene: POLQ (DNA polymerase theta; minus strand). Cytogenetic location: 3q13.33.
Variant type: single nucleotide variant.
Coding change: c.7622A>G on transcript NM_199420.4 (MANE Select); coding-DNA position 7622, A replaced by G.
Protein change: p.Glu2541Gly; replaces glutamic acid 2541 with glycine.
Molecular consequence: missense variant.
Genome position (GRCh38, 1-based): chr3:121,432,955, T>C on the plus strand (A>G on the coding strand, the complement: POLQ is on the minus strand). VCF-style: chr3-121432955-T-C. GRCh37 (hg19) VCF-style: chr3-121151802-T-C.
Other names: short protein forms E2541G.
Identifiers: ClinVar variation 1759853 (VCV001759853.2), dbSNP rs1414245609, ClinGen allele CA354093653.
Genomic context (GRCh38, chr3:121,432,955, plus strand): 5'-GGACACAAGCATTGCAAAAATACCTGAACAACATCTTCTTCTGCCACTTCATATAGGAGT[T>C]CATCATGGAGTTGAAGGATGAAGAAGCCTCCTCTGATTGGGCAGAACATCCCTTGCAGTT-3'
Protein context (NP_955452.3, residues 2531-2551): GGFFILQLHD[Glu2541Gly]LLYEVAEEDV

ClinVar aggregate classification (germline): Uncertain significance (1 of 4 stars; one submission).

Allele frequency attached by ClinVar (database versions not stated): gnomAD exomes below 0.00001; TOPMed below 0.00001.
gnomAD v4.1: 1 of 1,609,718 alleles (0.000062%); highest among the groups gnomAD compares: Non-Finnish European, 0.000085%; no homozygotes.

Submission:

Ambry Genetics
Classification: Uncertain significance. Last evaluated: 2023-11-14. Review status: criteria provided, single submitter. Criteria: Ambry Variant Classification Scheme 2023. Collection method: clinical testing. Allele origin: germline.
Comment: The p.E2541G variant (also known as c.7622A>G), located in coding exon 29 of the POLQ gene, results from an A to G substitution at nucleotide position 7622. The glutamic acid at codon 2541 is replaced by glycine, an amino acid with similar properties. This amino acid position is conserved. In addition, this alteration is predicted to be deleterious by in silico analysis. Since supporting evidence is limited at this time, the clinical significance of this alteration remains unclear.